The following is an entry in ClinVar:

ClinVar aggregate classification (germline): Uncertain significance. Review status: criteria provided, multiple submitters, no conflicts (2 of 4 stars). 3 submissions from 3 submitters: Uncertain significance (3). Last evaluated 2026-03-20.

Conditions:
Hereditary factor VIII deficiency disease (HEMA). Also called: HEMOPHILIA, CLASSIC; Hemophilia A; AUTOSOMAL HEMOPHILIA A; Hemophilia A, congenital; HEM A; Factor 8 deficiency, congenital. Identifiers: Orphanet 98878, MedGen C0019069, MONDO:0010602, OMIM 306700.

gnomAD v4.1: 14 of 1,210,996 alleles (0.0012%); highest among the groups gnomAD compares: Non-Finnish European, 0.0016%; no homozygotes.

Submissions (3):

Myriad Genetics, Inc.
Classification: Uncertain significance for Hereditary factor VIII deficiency disease. Last evaluated: 2026-03-20. Review status: criteria provided, single submitter. Criteria: Myriad Autosomal Dominant, Autosomal Recessive and X-Linked Classification Criteria (2023). Collection method: clinical testing. Allele origin: unknown.
Comment: NM_000132.3(F8):c.6823T>C(Y2275H) is a missense variant classified as a variant of uncertain significance in the context of hemophilia A. Y2275H has been observed in a case with relevant disease (PMID: 21883705). Relevant functional assessments of this variant are not available in the literature. Y2275H has not been observed in referenced population frequency databases. In summary, there is insufficient evidence to classify NM_000132.3(F8):c.6823T>C(Y2275H) as pathogenic or benign. Please note: this variant was assessed in the context of healthy population screening.

Women's Health and Genetics/Laboratory Corporation of America, LabCorp
Classification: Uncertain significance. Last evaluated: 2025-11-04. Review status: criteria provided, single submitter. Criteria: LabCorp Variant Classification Summary - May 2015. Collection method: clinical testing. Allele origin: germline.
Comment: Variant summary: F8 c.6823T>C (p.Tyr2275His) results in a conservative amino acid change in the encoded protein sequence. Algorithms developed to predict the effect of missense changes on protein structure and function are either unavailable or do not agree on the potential impact of this missense change. The variant was absent in 183343 control chromosomes. The available data on variant occurrences in the general population are insufficient to allow any conclusion about variant significance. c.6823T>C has been observed in at least one individual affected with Factor VIII Deficiency (Hemophilia A) (Lannoy_2012). The report does not provide unequivocal conclusions about association of the variant with Factor VIII Deficiency (Hemophilia A). To our knowledge, no experimental evidence demonstrating an impact on protein function has been reported. The following publications have been ascertained in the context of this evaluation (PMID: 21883705, 37647632). ClinVar contains an entry for this variant (Variation ID: 3778731). Based on the evidence outlined above, the variant was classified as uncertain significance.

Institute of Human Genetics, University of Leipzig Medical Center
Classification: Uncertain significance for Hereditary factor VIII deficiency disease. Last evaluated: 2025-03-03. Review status: criteria provided, single submitter. Criteria: ACMG Guidelines, 2015. Collection method: clinical testing. Allele origin: unknown. Inheritance: X-linked recessive inheritance. Affected: yes.
Comment: Criteria applied: PM1,PM2,PP3

Literature cited by the submitters: PubMed 21883705 (cited by Myriad Genetics, Inc. and Women's Health and Genetics/Laboratory Corporation of America, LabCorp); PubMed 37647632 (cited by Women's Health and Genetics/Laboratory Corporation of America, LabCorp).

NM_000132.4(F8):c.6823T>C (p.Tyr2275His)

Gene: F8 (coagulation factor VIII; minus strand). Cytogenetic location: Xq28.
Variant type: single nucleotide variant.
Coding change: c.6823T>C on transcript NM_000132.4 (MANE Select); coding-DNA position 6823, T replaced by C.
Protein change: p.Tyr2275His; replaces tyrosine 2275 with histidine.
Molecular consequence: missense variant.
Genome position (GRCh38, 1-based): chrX:154,860,509, A>G on the plus strand (T>C on the coding strand, the complement: F8 is on the minus strand). VCF-style: chrX-154860509-A-G. GRCh37 (hg19) VCF-style: chrX-154088784-A-G.
Other names: c.418T>C, p.Tyr140His (NM_019863.3); short protein forms Y140H, Y2275H.
Identifiers: ClinVar variation 3778731 (VCV003778731.3).
Genomic context (GRCh38, chrX:154,860,509, plus strand): 5'-GAAAAAAGAGAGTCCACTGATGGCCATCTTGACTGCTGGAGATGAGGAACTCCTTCACAT[A>G]CATGCTGGTAAGCAGAGATTTTACTCCCTGAGTAGTTACTCCTGTGACTTTCATTGTCTT-3'
Protein context (NP_000123.1, residues 2265-2285): QGVKSLLTSM[Tyr2275His]VKEFLISSSQ